The following is an entry in ClinVar:

NM_000059.4(BRCA2):c.8298A>G (p.Thr2766=)

Gene: BRCA2 (BRCA2 DNA repair associated; plus strand). Cytogenetic location: 13q13.1.
Variant type: single nucleotide variant.
Coding change: c.8298A>G on transcript NM_000059.4 (MANE Select); coding-DNA position 8298, A replaced by G.
Protein change: p.Thr2766=; no amino-acid change (threonine 2766 retained).
Molecular consequence: synonymous variant.
Genome position (GRCh38, 1-based): chr13:32,363,500, A>G. VCF-style: chr13-32363500-A-G. GRCh37 (hg19) VCF-style: chr13-32937637-A-G.
Other names: p.T2766T:ACA>ACG.
Identifiers: ClinVar variation 182297 (VCV000182297.32), dbSNP rs730881594, ClinGen allele CA025555.

ClinVar aggregate classification (germline): Likely benign. Review status: reviewed by expert panel (3 of 4 stars). 10 submissions from 10 submitters: Likely benign (1). 9 of the submissions do not count toward it. Last evaluated 2017-06-29.

Conditions:
BRCA2-related cancer predisposition. Identifiers: MedGen CN377758, MONDO:0700269.
BRCA2-related disorder. Also called: BRCA2-related condition; BRCA2-related disorders. Identifiers: MedGen CN239275.
Familial prostate cancer. Also called: Hereditary Prostate Cancer. Identifiers: MedGen C2931456, MONDO:0700275, OMIM 176807.
Hereditary cancer-predisposing syndrome. Also called: Hereditary Cancer Syndrome; Neoplastic Syndromes, Hereditary; Tumor predisposition; Hereditary neoplastic syndrome. Identifiers: Orphanet 140162, MedGen C0027672, MeSH D009386, MONDO:0015356.
Hereditary breast ovarian cancer syndrome. Also called: Hereditary breast and ovarian cancer; Hereditary breast and ovarian cancer syndrome (HBOC); Hereditary breast and/or ovarian cancer syndrome; Hereditary breast and ovarian cancer syndrome; Breast and ovarian cancer; BRCA1- and BRCA2-Associated Hereditary Breast and Ovarian Cancer. Identifiers: Orphanet 145, MedGen C0677776, MeSH D061325, MONDO:0003582. Disease mechanism: loss of function.
Breast-ovarian cancer, familial, susceptibility to, 2 (BROVCA2). Also called: BRCA2 Hereditary Breast and Ovarian Cancer. Identifiers: Orphanet 145, MedGen C2675520, MONDO:0012933, OMIM 612555. Disease mechanism: loss of function.

Allele frequency attached by ClinVar (database versions not stated): gnomAD 0.00001; gnomAD exomes 0.00001; TOPMed 0.00001.
gnomAD v4.1: 10 of 1,613,894 alleles (0.00062%); highest among the groups gnomAD compares: Non-Finnish European, 0.00085%; no homozygotes.

Submissions (10):

Evidence-based Network for the Interpretation of Germline Mutant Alleles (ENIGMA)
Classification: Likely benign for Breast-ovarian cancer, familial, susceptibility to, 2. Last evaluated: 2017-06-29. Review status: reviewed by expert panel. Criteria: ENIGMA BRCA1/2 Classification Criteria (2017-06-29). Collection method: curation. Allele origin: germline.
Comment: Synonymous substitution variant, with low bioinformatic likelihood to result in a splicing aberration (Splicing prior probability 0.02).

Labcorp Genetics (formerly Invitae), Labcorp
Classification: Likely benign for Hereditary breast ovarian cancer syndrome. Last evaluated: 2025-11-25. Review status: criteria provided, single submitter. Criteria: Invitae Variant Classification Sherloc (09022015). Collection method: clinical testing. Allele origin: germline. Not counted in ClinVar's aggregate classification.

All of Us Research Program, National Institutes of Health
Classification: Likely benign for BRCA2-related cancer predisposition. Last evaluated: 2024-08-13. Review status: criteria provided, single submitter. Criteria: ACMG Guidelines, 2015. Collection method: clinical testing. Allele origin: germline. Inheritance: Autosomal dominant inheritance. Observed: 5 variant alleles, 5 heterozygotes. Not counted in ClinVar's aggregate classification.
Comment: This study involves interpretation of variants in research participants for the purpose of population health screening. Participant phenotype was not available at the time of variant classification. Additional details can be found in publication PMID: 35346344, PMCID: PMC8962531

Quest Diagnostics Nichols Institute San Juan Capistrano
Classification: Likely benign. Last evaluated: 2023-03-01. Review status: criteria provided, single submitter. Criteria: Quest Diagnostics criteria. Collection method: clinical testing. Allele origin: unknown. Not counted in ClinVar's aggregate classification.

Department of Pathology and Laboratory Medicine, Sinai Health System
Classification: Likely benign for Familial prostate cancer. Last evaluated: 2022-04-06. Review status: criteria provided, single submitter. Criteria: ACMG Guidelines, 2015. Collection method: clinical testing. Allele origin: germline. Affected: yes. Not counted in ClinVar's aggregate classification.

Women's Health and Genetics/Laboratory Corporation of America, LabCorp
Classification: Likely benign. Last evaluated: 2019-08-21. Review status: criteria provided, single submitter. Criteria: LabCorp Variant Classification Summary - May 2015. Collection method: clinical testing. Allele origin: germline. Not counted in ClinVar's aggregate classification.

Color Diagnostics, LLC DBA Color Health
Classification: Likely benign for Hereditary cancer-predisposing syndrome. Last evaluated: 2019-05-07. Review status: criteria provided, single submitter. Criteria: ACMG Guidelines, 2015. Collection method: clinical testing. Allele origin: germline. Not counted in ClinVar's aggregate classification.

Ambry Genetics
Classification: Likely benign for Hereditary cancer-predisposing syndrome. Last evaluated: 2015-02-18. Review status: criteria provided, single submitter. Criteria: Ambry Variant Classification Scheme 2023. Collection method: clinical testing. Allele origin: germline. Not counted in ClinVar's aggregate classification.

GeneDx
Classification: Benign. Last evaluated: 2014-07-09. Review status: criteria provided, single submitter. Criteria: GeneDx Variant Classification (06012015). Collection method: clinical testing. Allele origin: germline. Affected: yes. Not counted in ClinVar's aggregate classification.
Comment: This variant is considered likely benign or benign based on one or more of the following criteria: it is a conservative change, it occurs at a poorly conserved position in the protein, it is predicted to be benign by multiple in silico algorithms, and/or has population frequency not consistent with disease.

PreventionGenetics, part of Exact Sciences
Classification: Likely benign for BRCA2-related condition. Last evaluated: 2024-02-16. Review status: no assertion criteria provided. Collection method: clinical testing. Allele origin: germline. Not counted in ClinVar's aggregate classification.
Comment: This variant is classified as likely benign based on ACMG/AMP sequence variant interpretation guidelines (Richards et al. 2015 PMID: 25741868, with internal and published modifications).